The following is an entry in ClinVar:

NM_014967.5(FAN1):c.2339T>C (p.Val780Ala)

Genes: FAN1 (FANCD2 and FANCI associated nuclease 1; plus strand), MTMR10 (myotubularin related protein 10; minus strand). Cytogenetic location: 15q13.3.
Variant type: single nucleotide variant.
Coding change: c.2339T>C on transcript NM_014967.5 (MANE Select); coding-DNA position 2339, T replaced by C.
Protein change: p.Val780Ala; replaces valine 780 with alanine.
Molecular consequence: missense variant.
Genome position (GRCh38, 1-based): chr15:30,925,790, T>C. VCF-style: chr15-30925790-T-C. GRCh37 (hg19) VCF-style: chr15-31217993-T-C.
Other names: short protein forms V780A.
Identifiers: ClinVar variation 5018954 (VCV005018954.2).

ClinVar aggregate classification (germline): Uncertain significance (1 of 4 stars; one submission).

Conditions:
Karyomegalic interstitial nephritis. Identifiers: Orphanet 401996, MedGen C3553774, MONDO:0013898, OMIM 614817.

Submission:

Juno Genomics, Hangzhou Juno Genomics, Inc
Classification: Uncertain significance for Karyomegalic interstitial nephritis. Review status: criteria provided, single submitter. Criteria: ACMG Guidelines, 2015. Collection method: clinical testing. Allele origin: germline.
Comment: Absent from controls (or at extremely low frequency if recessive) in Genome Aggregation Database.;Multiple lines of computational evidence support a deleterious effect on the gene or gene product.